The following is an entry in ClinVar:

ClinVar aggregate classification (germline): Likely benign. Review status: criteria provided, multiple submitters, no conflicts (2 of 4 stars). 2 submissions from 2 submitters: Likely benign (2). Last evaluated 2025-05-18.

Conditions:
RYR1-related disorder. Also called: RYR1-related condition; RYR1-related disorders. Identifiers: MedGen CN239331.
Malignant hyperthermia, susceptibility to, 1 (MHS1). Also called: Malignant hyperthermia suceptibility 1; Anesthesia related hyperthermia; Malignant hyperpyrexia; Fulminating hyperpyrexia; Pharmacogenic myopathy; RYR1-Related Malignant Hyperthermia Susceptibility. Identifiers: Orphanet 423, MedGen C2930980, MONDO:0007783, OMIM 145600.

Allele frequency attached by ClinVar (database versions not stated): gnomAD 0.00001; gnomAD exomes 0.00001; TOPMed 0.00001.
gnomAD v4.1: 6 of 1,572,042 alleles (0.00038%); highest among the groups gnomAD compares: Non-Finnish European, 0.00043%; no homozygotes.

Submissions (2):

Labcorp Genetics (formerly Invitae), Labcorp
Classification: Likely benign for RYR1-related disorder. Last evaluated: 2025-05-18. Review status: criteria provided, single submitter. Criteria: Invitae Variant Classification Sherloc (09022015). Collection method: clinical testing. Allele origin: germline.

All of Us Research Program, National Institutes of Health
Classification: Likely benign for Malignant hyperthermia, susceptibility to, 1. Last evaluated: 2023-12-01. Review status: criteria provided, single submitter. Criteria: ACMG Guidelines, 2015. Collection method: clinical testing. Allele origin: germline. Inheritance: Autosomal dominant inheritance. Observed: 4 variant alleles, 4 heterozygotes.
Comment: This study involves interpretation of variants in research participants for the purpose of population health screening. Participant phenotype was not available at the time of variant classification. Additional details can be found in publication PMID: 35346344, PMCID: PMC8962531

NM_000540.3(RYR1):c.3999C>T (p.Asn1333=)

Gene: RYR1 (ryanodine receptor 1; plus strand). Cytogenetic location: 19q13.2.
Variant type: single nucleotide variant.
Coding change: c.3999C>T on transcript NM_000540.3 (MANE Select); coding-DNA position 3999, C replaced by T.
Protein change: p.Asn1333=; no amino-acid change (asparagine 1333 retained).
Molecular consequence: synonymous variant.
Genome position (GRCh38, 1-based): chr19:38,473,610, C>T. VCF-style: chr19-38473610-C-T. GRCh37 (hg19) VCF-style: chr19-38964250-C-T.
Other names: c.3999C>T, p.Asn1333= (NM_001042723.2).
Identifiers: ClinVar variation 1589421 (VCV001589421.9), dbSNP rs1013808700, ClinGen allele CA308079743.